The following is an entry in ClinVar:

NM_007194.4(CHEK2):c.1235G>A (p.Ser412Asn)

Gene: CHEK2 (checkpoint kinase 2; minus strand). Cytogenetic location: 22q12.1.
Variant type: single nucleotide variant.
Coding change: c.1235G>A on transcript NM_007194.4 (MANE Select); coding-DNA position 1235, G replaced by A.
Protein change: p.Ser412Asn; replaces serine 412 with asparagine.
Molecular consequence: missense variant.
Genome position (GRCh38, 1-based): chr22:28,695,734, C>T on the plus strand (G>A on the coding strand, the complement: CHEK2 is on the minus strand). VCF-style: chr22-28695734-C-T. GRCh37 (hg19) VCF-style: chr22-29091722-C-T.
Other names: c.1364G>A, p.Ser455Asn (NM_001005735.3); c.572G>A, p.Ser191Asn (NM_001257387.3); c.1034G>A, p.Ser345Asn (NM_001349956.3); c.1148G>A, p.Ser383Asn (NM_145862.3); short protein forms S412N, S345N, S455N, S191N, S383N.
Identifiers: ClinVar variation 489876 (VCV000489876.25), dbSNP rs1555913662, ClinGen allele CA411096624.

ClinVar aggregate classification (germline): Uncertain significance. Review status: criteria provided, multiple submitters, no conflicts (2 of 4 stars). 5 submissions from 5 submitters: Uncertain significance (5). Last evaluated 2025-10-07.

Conditions:
Hereditary cancer-predisposing syndrome. Also called: Tumor predisposition; Hereditary Cancer Syndrome; Neoplastic Syndromes, Hereditary; Hereditary neoplastic syndrome. Identifiers: Orphanet 140162, MedGen C0027672, MeSH D009386, MONDO:0015356.
Familial cancer of breast. Also called: hereditary breast carcinoma; Hereditary breast cancer; BREAST CANCER, FAMILIAL. Identifiers: Orphanet 227535, MedGen C0346153, MONDO:0016419, OMIM 114480. Disease mechanism: loss of function.

Allele frequency attached by ClinVar (database versions not stated): TOPMed below 0.00001.

Submissions (5):

Labcorp Genetics (formerly Invitae), Labcorp
Classification: Uncertain significance for Familial cancer of breast. Last evaluated: 2025-10-07. Review status: criteria provided, single submitter. Criteria: Invitae Variant Classification Sherloc (09022015). Collection method: clinical testing. Allele origin: germline.
Comment: This sequence change replaces serine, which is neutral and polar, with asparagine, which is neutral and polar, at codon 412 of the CHEK2 protein (p.Ser412Asn). This variant is not present in population databases (gnomAD no frequency). This variant has not been reported in the literature in individuals affected with CHEK2-related conditions. ClinVar contains an entry for this variant (Variation ID: 489876). An algorithm developed to predict the effect of missense changes on protein structure and function (PolyPhen-2) suggests that this variant is likely to be disruptive. In summary, the available evidence is currently insufficient to determine the role of this variant in disease. Therefore, it has been classified as a Variant of Uncertain Significance.

Ambry Genetics
Classification: Uncertain significance for Hereditary cancer-predisposing syndrome. Last evaluated: 2024-05-08. Review status: criteria provided, single submitter. Criteria: Ambry Variant Classification Scheme 2023. Collection method: clinical testing. Allele origin: germline.
Comment: The p.S412N variant (also known as c.1235G>A), located in coding exon 10 of the CHEK2 gene, results from a G to A substitution at nucleotide position 1235. The serine at codon 412 is replaced by asparagine, an amino acid with highly similar properties. This alteration was detected in 1/5589 German BRCA1/2-negative probands with breast cancer (Hauke J et al. Cancer Med, 2018 Apr;7:1349-1358). This amino acid position is highly conserved in available vertebrate species. In addition, the in silico prediction for this alteration is inconclusive. Based on the available evidence, the clinical significance of this variant remains unclear.

GeneDx
Classification: Uncertain significance. Last evaluated: 2022-10-13. Review status: criteria provided, single submitter. Criteria: GeneDx Variant Classification Process June 2021. Collection method: clinical testing. Allele origin: germline. Affected: yes.
Comment: Not observed at significant frequency in large population cohorts (gnomAD); In silico analysis supports that this missense variant has a deleterious effect on protein structure/function; Has not been previously published as pathogenic or benign germline variant to our knowledge; Also known as c.1364G>A p.S455N; This variant is associated with the following publications: (PMID: 27852271, 22419737, 19782031)

Blueprint Genetics
Classification: Uncertain significance. Last evaluated: 2020-09-22. Review status: criteria provided, single submitter. Criteria: ACMG Guidelines, 2015. Collection method: clinical testing. Allele origin: germline.

Color Diagnostics, LLC DBA Color Health
Classification: Uncertain significance for Hereditary cancer-predisposing syndrome. Last evaluated: 2020-01-08. Review status: criteria provided, single submitter. Criteria: ACMG Guidelines, 2015. Collection method: clinical testing. Allele origin: germline.
Comment: This missense variant replaces serine with asparagine at codon 412 of the CHEK2 protein. Computational prediction is inconclusive regarding the impact of this variant on protein structure and function (internally defined REVEL score threshold 0.5 < inconclusive < 0.7, PMID: 27666373). Splice site prediction tools suggest that this variant may not impact RNA splicing. To our knowledge, functional studies have not been performed for this variant. This variant has not been reported in individuals affected with hereditary cancer in the literature. This variant has not been identified in the general population by the Genome Aggregation Database (gnomAD). The available evidence is insufficient to determine the role of this variant in disease conclusively. Therefore, this variant is classified as a Variant of Uncertain Significance.

Literature cited by the submitters: PubMed 29522266 (cited by Ambry Genetics).